The following is an entry in ClinVar:

ClinVar aggregate classification (germline): Uncertain significance (1 of 4 stars; one submission).

Submission:

Ambry Genetics
Classification: Uncertain significance. Last evaluated: 2024-01-06. Review status: criteria provided, single submitter. Criteria: Ambry Variant Classification Scheme 2023. Collection method: clinical testing. Allele origin: germline.
Comment: The p.N1926D variant (also known as c.5776A>G), located in coding exon 43 of the PRKDC gene, results from an A to G substitution at nucleotide position 5776. The asparagine at codon 1926 is replaced by aspartic acid, an amino acid with highly similar properties. This amino acid position is conserved. In addition, this alteration is predicted to be tolerated by in silico analysis. Since supporting evidence is limited at this time, the clinical significance of this alteration remains unclear.

NM_006904.7(PRKDC):c.5776A>G (p.Asn1926Asp)

Gene: PRKDC (protein kinase, DNA-activated, catalytic subunit; minus strand). Cytogenetic location: 8q11.21.
Variant type: single nucleotide variant.
Coding change: c.5776A>G on transcript NM_006904.7 (MANE Select); coding-DNA position 5776, A replaced by G.
Protein change: p.Asn1926Asp; replaces asparagine 1926 with aspartic acid.
Molecular consequence: missense variant.
Genome position (GRCh38, 1-based): chr8:47,862,516, T>C on the plus strand (A>G on the coding strand, the complement: PRKDC is on the minus strand). VCF-style: chr8-47862516-T-C. GRCh37 (hg19) VCF-style: chr8-48775077-T-C.
Other names: c.5776A>G, p.Asn1926Asp (NM_001081640.2); short protein forms N1926D.
Identifiers: ClinVar variation 3225877 (VCV003225877.1), dbSNP rs2551870705, ClinGen allele CA371162589.